The following is an entry in ClinVar:

ClinVar aggregate classification (germline): Uncertain significance (1 of 4 stars; one submission).

Conditions:
RBM10-related disorder. Also called: RBM10-related condition.

Submission:

PreventionGenetics, part of Exact Sciences
Classification: Uncertain significance for RBM10-related condition. Last evaluated: 2026-05-26. Review status: criteria provided, single submitter. Criteria: ACMG Guidelines, 2015. Collection method: clinical testing. Allele origin: germline.
Comment: The RBM10 c.153delG variant is predicted to result in premature protein termination (p.Leu52*). This variant corresponds to a pre-coding position in an alternate transcript for this gene (NM_005676:c.-43del). To our knowledge, this variant has not been reported in the literature or in a large population database (gnomAD), indicating this variant is rare. At this time, the clinical significance of this variant is uncertain due to the absence of conclusive functional and genetic evidence.

NM_005676.5(RBM10):c.-43del

Gene: RBM10 (RNA binding motif protein 10; plus strand). Cytogenetic location: Xp11.3.
Variant type: Deletion.
Coding change: c.-43del on transcript NM_005676.5 (MANE Select); 43 bases upstream of the start codon, one base deleted (G; older notation c.-43delG).
Molecular consequence: 5 prime UTR variant. On other transcripts: frameshift variant (4).
Genome position (GRCh38, 1-based): chrX:47,147,439, G deleted; the last of 2 consecutive G bases (chrX:47,147,438-47,147,439); deleting either gives the same sequence. VCF-style (leftmost placement, unchanged base first): chrX-47147437-CG-C. GRCh37 (hg19) VCF-style: chrX-47006836-CG-C.
Other names: c.-43del (NM_001204466.2, NM_001204467.2, NM_152856.3); c.153del, p.Arg51_Leu52insTer (NM_001204468.2, NM_001440861.1, NM_001440862.1 and 1 more transcripts).
Identifiers: ClinVar variation 4994454 (VCV004994454.1).